The following is an entry in ClinVar:

ClinVar aggregate classification (germline): Uncertain significance (1 of 4 stars; one submission).

Conditions:
Immunodeficiency-centromeric instability-facial anomalies syndrome 1 (ICF1). Identifiers: Orphanet 2268, MedGen C4551557, MONDO:0009454, OMIM 242860.

Submission:

Labcorp Genetics (formerly Invitae), Labcorp
Classification: Uncertain significance for Centromeric instability of chromosomes 1,9 and 16 and immunodeficiency. Last evaluated: 2018-07-05. Review status: criteria provided, single submitter. Criteria: Invitae Variant Classification Sherloc (09022015). Collection method: clinical testing. Allele origin: germline.
Comment: This sequence change replaces cysteine with tyrosine at codon 403 of the DNMT3B protein (p.Cys403Tyr). TheÂ¬â€ cysteineÂ¬â€ residue is moderately conserved and there is a large physicochemical difference betweenÂ¬â€ cysteineÂ¬â€ andÂ¬â€ tyrosine. This variant is not present in population databases (ExAC no frequency). This variant has not been reported in the literature in individuals with DNMT3B-related disease. Algorithms developed to predict the effect of missense changes on protein structure and function are either unavailable or do not agree on the potential impact of this missense change (SIFT: "Tolerated"; PolyPhen-2: "Probably Damaging"; Align-GVGD: "Class C0"). In summary, the available evidence is currently insufficient to determine the role of this variant in disease. Therefore, it has been classified as a Variant of Uncertain Significance.

NM_006892.4(DNMT3B):c.1208_1209delinsAT (p.Cys403Tyr)

Gene: DNMT3B (DNA methyltransferase 3 beta; plus strand). Cytogenetic location: 20q11.21.
Variant type: Indel.
Coding change: c.1208_1209delinsAT on transcript NM_006892.4 (MANE Select); coding-DNA positions 1208 to 1209, GC replaced by AT.
Protein change: p.Cys403Tyr; replaces cysteine 403 with tyrosine.
Molecular consequence: missense variant.
Genome position (GRCh38, 1-based): chr20:32,795,490-32,795,491, GC replaced by AT. VCF-style: chr20-32795490-GC-AT. GRCh37 (hg19) VCF-style: chr20-31383296-GC-AT.
Other names: c.1022_1023delinsAT, p.Cys341Tyr (NM_001207055.2); c.920_921delinsAT, p.Cys307Tyr (NM_001207056.2); c.1148_1149delinsAT, p.Cys383Tyr (NM_175848.2, NM_175849.2); c.1184_1185delinsAT, p.Cys395Tyr (NM_175850.3); short protein forms C383Y, C403Y, C307Y, C341Y, C395Y.
Identifiers: ClinVar variation 567232 (VCV000567232.1), dbSNP rs1568850004, ClinGen allele CA891844121.